The following is an entry in ClinVar:

ClinVar aggregate classification (germline): Conflicting classifications of pathogenicity. Review status: criteria provided, conflicting classifications (1 of 4 stars). 4 submissions from 4 submitters: Uncertain significance (2); Benign (1). 1 of the submissions does not count toward it. Last evaluated 2025-05-09.

Conditions:
BRCA2-related cancer predisposition. Identifiers: MedGen CN377758, MONDO:0700269.
Hereditary cancer-predisposing syndrome. Also called: Hereditary Cancer Syndrome; Tumor predisposition; Hereditary neoplastic syndrome; Neoplastic Syndromes, Hereditary. Identifiers: Orphanet 140162, MedGen C0027672, MeSH D009386, MONDO:0015356.
Hereditary breast ovarian cancer syndrome. Also called: BRCA1- and BRCA2-Associated Hereditary Breast and Ovarian Cancer; Hereditary breast and ovarian cancer syndrome (HBOC); Breast and ovarian cancer; Hereditary breast and ovarian cancer; Hereditary breast and ovarian cancer syndrome; Hereditary breast and/or ovarian cancer syndrome. Identifiers: Orphanet 145, MedGen C0677776, MeSH D061325, MONDO:0003582. Disease mechanism: loss of function.
Breast-ovarian cancer, familial, susceptibility to, 2 (BROVCA2). Also called: BRCA2 Hereditary Breast and Ovarian Cancer. Identifiers: Orphanet 145, MedGen C2675520, MONDO:0012933, OMIM 612555. Disease mechanism: loss of function.

Submissions (4):

Ambry Genetics
Classification: Benign for Hereditary cancer-predisposing syndrome. Last evaluated: 2025-05-09. Review status: criteria provided, single submitter. Criteria: Ambry Variant Classification Scheme 2023. Collection method: clinical testing. Allele origin: germline.

All of Us Research Program, National Institutes of Health
Classification: Uncertain significance for BRCA2-related cancer predisposition. Last evaluated: 2024-05-14. Review status: criteria provided, single submitter. Criteria: ACMG Guidelines, 2015. Collection method: clinical testing. Allele origin: germline. Inheritance: Autosomal dominant inheritance. Observed: 1 variant allele, 1 heterozygote.
Comment: This missense variant replaces leucine with tryptophan at codon 2696 of the BRCA2 protein. Computational prediction suggests that this variant may not impact protein structure and function. To our knowledge, functional studies have not been reported for this variant. This variant has not been reported in individuals affected with BRCA2-related disorders in the literature. This variant has not been identified in the general population by the Genome Aggregation Database (gnomAD). The available evidence is insufficient to determine the role of this variant in disease conclusively. Therefore, this variant is classified as a Variant of Uncertain Significance.

This study involves interpretation of variants in research participants for the purpose of population health screening. Participant phenotype was not available at the time of variant classification. Additional details can be found in publication PMID: 35346344, PMCID: PMC8962531

Labcorp Genetics (formerly Invitae), Labcorp
Classification: Uncertain significance for Hereditary breast ovarian cancer syndrome. Last evaluated: 2022-10-20. Review status: criteria provided, single submitter. Criteria: Invitae Variant Classification Sherloc (09022015). Collection method: clinical testing. Allele origin: germline.
Comment: In summary, the available evidence is currently insufficient to determine the role of this variant in disease. Therefore, it has been classified as a Variant of Uncertain Significance. Advanced modeling of protein sequence and biophysical properties (such as structural, functional, and spatial information, amino acid conservation, physicochemical variation, residue mobility, and thermodynamic stability) performed at Invitae indicates that this missense variant is not expected to disrupt BRCA2 protein function. ClinVar contains an entry for this variant (Variation ID: 192219). This variant has not been reported in the literature in individuals affected with BRCA2-related conditions. This variant is not present in population databases (gnomAD no frequency). This sequence change replaces leucine, which is neutral and non-polar, with tryptophan, which is neutral and slightly polar, at codon 2696 of the BRCA2 protein (p.Leu2696Trp).

Pathway Genomics
Classification: Uncertain significance for Breast-ovarian cancer, familial 2. Last evaluated: 2014-10-30. Review status: no assertion criteria provided. Criteria: ACMG Guidelines, 2015. Collection method: clinical testing. Allele origin: germline. Affected: no. Not counted in ClinVar's aggregate classification.

NM_000059.4(BRCA2):c.8087T>G (p.Leu2696Trp)

Gene: BRCA2 (BRCA2 DNA repair associated; plus strand). Cytogenetic location: 13q13.1.
Variant type: single nucleotide variant.
Coding change: c.8087T>G on transcript NM_000059.4 (MANE Select); coding-DNA position 8087, T replaced by G.
Protein change: p.Leu2696Trp; replaces leucine 2696 with tryptophan.
Molecular consequence: missense variant.
Genome position (GRCh38, 1-based): chr13:32,363,289, T>G. VCF-style: chr13-32363289-T-G. GRCh37 (hg19) VCF-style: chr13-32937426-T-G.
Other names: short protein forms L2696W.
Identifiers: ClinVar variation 192219 (VCV000192219.18), dbSNP rs80359050, ClinGen allele CA025448.
Genomic context (GRCh38, chr13:32,363,289, plus strand): 5'-TGGAAAGGGATGACACAGCTGCAAAAACACTTGTTCTCTGTGTTTCTGACATAATTTCAT[T>G]GAGCGCAAATATATCTGAAACTTCTAGCAATAAAACTAGTAGTGCAGATACCCAAAAAGT-3'
Protein context (NP_000050.3, residues 2686-2706): LVLCVSDIIS[Leu2696Trp]SANISETSSN